The following is an entry in ClinVar:

ClinVar aggregate classification (germline): Likely pathogenic (1 of 4 stars; one submission).

Conditions:
Mucopolysaccharidosis type 6 (MPS6). Also called: MPS VI; N-ACETYLGALACTOSAMINE-4-SULFATASE DEFICIENCY; ARSB DEFICIENCY; ARYLSULFATASE B DEFICIENCY; MPS 6; Maroteaux Lamy syndrome. Identifiers: Orphanet 583, MedGen C0026709, MONDO:0009661, OMIM 253200.

Allele frequency attached by ClinVar (database versions not stated): gnomAD 0.00001.

Submission:

Laboratory of Diagnosis and Therapy of Lysosomal Disorders, University of Padova
Classification: Likely pathogenic for Mucopolysaccharidosis type 6. Last evaluated: 2018-01-01. Review status: criteria provided, single submitter. Criteria: ACMG Guidelines, 2015. Collection method: curation. Allele origin: germline. Affected: yes.
Comment: Nonsense variant (PVS1); Absent from GnomAD (PM2)

Literature cited by the submitters: PubMed 24875751; PubMed 30118150.

NM_000046.5(ARSB):c.328C>T (p.Gln110Ter)

Gene: ARSB (arylsulfatase B; minus strand). Cytogenetic location: 5q14.1.
Variant type: single nucleotide variant.
Coding change: c.328C>T on transcript NM_000046.5 (MANE Select); coding-DNA position 328, C replaced by T.
Protein change: p.Gln110Ter; replaces glutamine 110 with a stop codon.
Molecular consequence: nonsense.
Genome position (GRCh38, 1-based): chr5:78,969,177, G>A on the plus strand (C>T on the coding strand, the complement: ARSB is on the minus strand). VCF-style: chr5-78969177-G-A. GRCh37 (hg19) VCF-style: chr5-78265000-G-A.
Other names: c.328C>T, p.Gln110Ter (NM_198709.3); short protein forms Q110*.
Identifiers: ClinVar variation 559770 (VCV000559770.3), dbSNP rs1554088099, ClinGen allele CA360194493.
Genomic context (GRCh38, chr5:78,969,177, plus strand): 5'-GCAGGAGTTTTTCATCCAGAGGAACACAGCTGGGCTGACAGGGCCAGATTATTTGGTGCT[G>A]TAAACCTGTACGGATCTTACAGAGATAAACATAAAATTATAGATTAATGACATTGAAATA-3'